The following is an entry in ClinVar:

ClinVar aggregate classification (germline): Uncertain significance (1 of 4 stars; one submission).

Conditions:
Intellectual developmental disorder, autosomal dominant 1. Also called: MBD5 Haploinsufficiency; Intellectual disability, autosomal dominant 1. Identifiers: Orphanet 228402, MedGen C1969562, MONDO:0007974, OMIM 156200.

gnomAD v4.1: 1 of 1,613,948 alleles (0.000062%); highest among the groups gnomAD compares: Non-Finnish European, 0.000085%; no homozygotes.

Submission:

Labcorp Genetics (formerly Invitae), Labcorp
Classification: Uncertain significance for Intellectual developmental disorder, autosomal dominant 1. Last evaluated: 2024-06-10. Review status: criteria provided, single submitter. Criteria: Invitae Variant Classification Sherloc (09022015). Collection method: clinical testing. Allele origin: germline.
Comment: This sequence change replaces proline, which is neutral and non-polar, with alanine, which is neutral and non-polar, at codon 1352 of the MBD5 protein (p.Pro1352Ala). This variant is present in population databases (no rsID available, gnomAD 0.007%). This variant has not been reported in the literature in individuals affected with MBD5-related conditions. Experimental studies and prediction algorithms are not available or were not evaluated, and the functional significance of this variant is currently unknown. In summary, the available evidence is currently insufficient to determine the role of this variant in disease. Therefore, it has been classified as a Variant of Uncertain Significance.

NM_001378120.1(MBD5):c.4753C>G (p.Pro1585Ala)

Gene: MBD5 (methyl-CpG binding domain protein 5; plus strand). Cytogenetic location: 2q23.1.
Variant type: single nucleotide variant.
Coding change: c.4753C>G on transcript NM_001378120.1 (MANE Select); coding-DNA position 4753, C replaced by G.
Protein change: p.Pro1585Ala; replaces proline 1585 with alanine.
Molecular consequence: missense variant.
Genome position (GRCh38, 1-based): chr2:148,490,385, C>G. VCF-style: chr2-148490385-C-G. GRCh37 (hg19) VCF-style: chr2-149247954-C-G.
Other names: c.4054C>G, p.Pro1352Ala (NM_018328.5); short protein forms P1585A, P1352A.
Identifiers: ClinVar variation 3652796 (VCV003652796.2).